The following is an entry in ClinVar:

ClinVar aggregate classification (germline): Likely benign. Review status: criteria provided, multiple submitters, no conflicts (2 of 4 stars). 2 submissions from 2 submitters: Likely benign (2). Last evaluated 2023-06-09.

Allele frequency attached by ClinVar (database versions not stated): gnomAD exomes below 0.00001 and 0.00002.
gnomAD v4.1: 6 of 1,503,196 alleles (0.0004%); highest among the groups gnomAD compares: Admixed American, 0.0049%; no homozygotes.

Submissions (2):

Labcorp Genetics (formerly Invitae), Labcorp
Classification: Likely benign. Last evaluated: 2023-06-09. Review status: criteria provided, single submitter. Criteria: Invitae Variant Classification Sherloc (09022015). Collection method: clinical testing. Allele origin: germline.

GeneDx
Classification: Likely benign. Last evaluated: 2017-11-14. Review status: criteria provided, single submitter. Criteria: GeneDx Variant Classification (06012015). Collection method: clinical testing. Allele origin: germline. Affected: yes.
Comment: This variant is considered likely benign or benign based on one or more of the following criteria: it is a conservative change, it occurs at a poorly conserved position in the protein, it is predicted to be benign by multiple in silico algorithms, and/or has population frequency not consistent with disease.

NM_001384732.1(CPLANE1):c.82-16A>G

Gene: CPLANE1 (ciliogenesis and planar polarity effector complex subunit 1; minus strand). Cytogenetic location: 5p13.2.
Variant type: single nucleotide variant.
Coding change: c.82-16A>G on transcript NM_001384732.1 (MANE Select); 16 bases into the intron before coding-DNA position 82, A replaced by G.
Molecular consequence: intron variant.
Genome position (GRCh38, 1-based): chr5:37,245,861, T>C on the plus strand (A>G on the coding strand, the complement: CPLANE1 is on the minus strand). VCF-style: chr5-37245861-T-C. GRCh37 (hg19) VCF-style: chr5-37245963-T-C.
Other names: c.82-16A>G (NM_023073.4).
Identifiers: ClinVar variation 513452 (VCV000513452.5), dbSNP rs1169604326, ClinGen allele CA559295688.
Genomic context (GRCh38, chr5:37,245,861, plus strand): 5'-TTCATTTATGAATTTATCATCCAAAAGAAAAACGGCTTCTTTTTCCTAAGAGAAGAAACA[T>C]GTGAAGGACTCAAGAGGTGCCAGAAATTAATTCAACTTACTGCCTAAATAAATTATCCCA-3'